The following is an entry in ClinVar:

NM_001110556.2(FLNA):c.3350A>G (p.Asn1117Ser)

Gene: FLNA (filamin A; minus strand). Cytogenetic location: Xq28.
Variant type: single nucleotide variant.
Coding change: c.3350A>G on transcript NM_001110556.2 (MANE Select); coding-DNA position 3350, A replaced by G.
Protein change: p.Asn1117Ser; replaces asparagine 1117 with serine.
Molecular consequence: missense variant.
Genome position (GRCh38, 1-based): chrX:154,360,445, T>C on the plus strand (A>G on the coding strand, the complement: FLNA is on the minus strand). VCF-style: chrX-154360445-T-C. GRCh37 (hg19) VCF-style: chrX-153588813-T-C.
Other names: c.3350A>G, p.Asn1117Ser (NM_001456.4); c.3350A>G (NM_001456.3); short protein forms N1117S.
Identifiers: ClinVar variation 1299219 (VCV001299219.40), dbSNP rs1209865046, ClinGen allele CA415228353.
Genomic context (GRCh38, chrX:154,360,445, plus strand): 5'-TTGATGTTGTAGTCCCCGGGCTCGGTGGGCACGTAGGACACGGAACATGTGCCATCCCCA[T>C]TGTCCAAGCACTCGAGCTGCGCCTCACAGGGGCCCTCCACCGTCAGGCCCAGGCCACCTG-3'
Protein context (NP_001104026.1, residues 1107-1127): PCEAQLECLD[Asn1117Ser]GDGTCSVSYV

ClinVar aggregate classification (germline): Conflicting classifications of pathogenicity. Review status: criteria provided, conflicting classifications (1 of 4 stars). 3 submissions from 3 submitters: Uncertain significance (2); Likely benign (1). Last evaluated 2026-06-09.

Conditions:
Heterotopia, periventricular, X-linked dominant (PVNH1). Also called: PERIVENTRICULAR NODULAR HETEROTOPIA 1; X-linked periventricular heterotopia; PERIVENTRICULAR NODULAR HETEROTOPIA 4; HETEROTOPIA, PERIVENTRICULAR, 1. Identifiers: Orphanet 2149, Orphanet 82004, MedGen C1848213, MONDO:0010233, OMIM 300049.
Melnick-Needles syndrome (MNS). Also called: MELNICK-NEEDLES OSTEODYSPLASTY; OSTEODYSPLASTY OF MELNICK AND NEEDLES; Melnick-Needles Syndrome (FLNA-MNS). Identifiers: Orphanet 2484, MedGen C0025237, MONDO:0010650, OMIM 309350.
Oto-palato-digital syndrome, type II (OPD2). Also called: FACIOPALATOOSSEOUS SYNDROME; OPD II SYNDROME; Otopalatodigital Syndrome Type 2 (FLNA-OPD2); Otopalatodigital Syndrome, Type II. Identifiers: Orphanet 669, Orphanet 90652, MedGen C1844696, MONDO:0010571, OMIM 304120.
Frontometaphyseal dysplasia (FMD1). Identifiers: Orphanet 1826, MedGen C0265293, MONDO:0015942.
Familial thoracic aortic aneurysm and aortic dissection (TAAD). Also called: Thoracic aortic aneurysms and dissections. Identifiers: Orphanet 91387, MedGen C4707243, MONDO:0019625.

Allele frequency attached by ClinVar (database versions not stated): gnomAD exomes below 0.00001; TOPMed 0.00003.
gnomAD v4.1: 2 of 1,211,468 alleles (0.00017%); highest among the groups gnomAD compares: African/African-American, 0.0017%; no homozygotes.

Submissions (3):

Ambry Genetics
Classification: Uncertain significance for Familial thoracic aortic aneurysm and aortic dissection. Last evaluated: 2026-06-09. Review status: criteria provided, single submitter. Criteria: Ambry Variant Classification Scheme 2023. Collection method: clinical testing. Allele origin: germline.
Comment: The p.N1117S variant (also known as c.3350A>G), located in coding exon 21 of the FLNA gene, results from an A to G substitution at nucleotide position 3350. The asparagine at codon 1117 is replaced by serine, an amino acid with highly similar properties. This amino acid position is conserved. In addition, this alteration is predicted to be tolerated by in silico analysis. Based on the available evidence, the clinical significance of this variant remains unclear.

Labcorp Genetics (formerly Invitae), Labcorp
Classification: Uncertain significance for Oto-palato-digital syndrome, type II; Heterotopia, periventricular, X-linked dominant; Frontometaphyseal dysplasia; Melnick-Needles syndrome. Last evaluated: 2025-12-01. Review status: criteria provided, single submitter. Criteria: Invitae Variant Classification Sherloc (09022015). Collection method: clinical testing. Allele origin: germline.
Comment: This sequence change replaces asparagine, which is neutral and polar, with serine, which is neutral and polar, at codon 1117 of the FLNA protein (p.Asn1117Ser). This variant is not present in population databases (gnomAD no frequency). This variant has not been reported in the literature in individuals affected with FLNA-related conditions. ClinVar contains an entry for this variant (Variation ID: 1299219). Invitae Evidence Modeling of protein sequence and biophysical properties (such as structural, functional, and spatial information, amino acid conservation, physicochemical variation, residue mobility, and thermodynamic stability) indicates that this missense variant is not expected to disrupt FLNA protein function with a negative predictive value of 95%. In summary, the available evidence is currently insufficient to determine the role of this variant in disease. Therefore, it has been classified as a Variant of Uncertain Significance.

CeGaT Center for Human Genetics Tuebingen
Classification: Likely benign. Last evaluated: 2022-04-01. Review status: criteria provided, single submitter. Criteria: CeGaT Center For Human Genetics Tuebingen Variant Classification Criteria Version 2. Collection method: clinical testing. Allele origin: germline. Affected: yes. Observed: 2 variant alleles.
Comment: FLNA: PM2, PP2, BS2